The following is an entry in ClinVar:

ClinVar aggregate classification (germline): Uncertain significance. Review status: criteria provided, multiple submitters, no conflicts (2 of 4 stars). 3 submissions from 3 submitters: Uncertain significance (3). Last evaluated 2025-05-19.

Conditions:
Long QT syndrome (LQTS). Identifiers: MedGen C0023976, MeSH D008133, MONDO:0002442. Disease mechanism: loss of function. Inheritance: Various modes of inheritance.

Allele frequency attached by ClinVar (database versions not stated): ExAC 0.00001; gnomAD 0.00001; gnomAD exomes 0.00001 and 0.00003; TOPMed 0.00001.
gnomAD v4.1: 43 of 1,613,468 alleles (0.0027%); highest among the groups gnomAD compares: Non-Finnish European, 0.0035%; no homozygotes.

Submissions (3):

Labcorp Genetics (formerly Invitae), Labcorp
Classification: Uncertain significance for Long QT syndrome. Last evaluated: 2025-05-19. Review status: criteria provided, single submitter. Criteria: Invitae Variant Classification Sherloc (09022015). Collection method: clinical testing. Allele origin: germline.
Comment: This sequence change replaces glutamine, which is neutral and polar, with lysine, which is basic and polar, at codon 1712 of the ANK2 protein (p.Gln1712Lys). The frequency data for this variant in the population databases is considered unreliable, as metrics indicate poor data quality at this position in the gnomAD database. This variant has not been reported in the literature in individuals affected with ANK2-related conditions. ClinVar contains an entry for this variant (Variation ID: 191405). An algorithm developed to predict the effect of missense changes on protein structure and function (PolyPhen-2) suggests that this variant is likely to be tolerated. In summary, the available evidence is currently insufficient to determine the role of this variant in disease. Therefore, it has been classified as a Variant of Uncertain Significance.

GeneDx
Classification: Uncertain significance. Last evaluated: 2023-06-01. Review status: criteria provided, single submitter. Criteria: GeneDx Variant Classification Process June 2021. Collection method: clinical testing. Allele origin: germline. Affected: yes.
Comment: Not observed at significant frequency in large population cohorts (gnomAD); In silico analysis supports that this missense variant does not alter protein structure/function; Identified in an individual with known coronary artery disease (CAD) or at risk for CAD (Ng et al., 2013); This variant is associated with the following publications: (PMID: 23861362)

Biesecker Lab/Clinical Genomics Section, National Institutes of Health
Classification: Uncertain significance. Last evaluated: 2013-06-24. Review status: criteria provided, single submitter. Criteria: Ng et al. (Circ Cardiovasc Genet. 2013). Collection method: research. Allele origin: unknown. Observed: 1 variant allele. Study: ClinSeq.
Comment: The study set was not selected for affection status in relation to any cancer. Pathogenicity categories were based on literature curation. See Pubmed ID:23861362 for details.

Medical sequencing

NM_001148.6(ANK2):c.5134C>A (p.Gln1712Lys)

Gene: ANK2 (ankyrin 2; plus strand). Cytogenetic location: 4q26.
Variant type: single nucleotide variant.
Coding change: c.5134C>A on transcript NM_001148.6 (MANE Select); coding-DNA position 5134, C replaced by A.
Protein change: p.Gln1712Lys; replaces glutamine 1712 with lysine.
Molecular consequence: missense variant. On other transcripts: intron variant (68).
Genome position (GRCh38, 1-based): chr4:113,353,752, C>A. VCF-style: chr4-113353752-C-A. GRCh37 (hg19) VCF-style: chr4-114274908-C-A.
Other names: c.4411+3503C>A (NM_001386148.2, NM_001386186.2); c.4213+3503C>A (NM_001354269.3); c.4291+3503C>A (NM_001386187.2); c.4252+3503C>A (NM_001386147.1); c.4270+3503C>A (NM_001386160.1); c.4375+3503C>A (NM_001354254.2); c.4396+3503C>A (NM_001354239.2, NM_001354252.2); c.4297+3503C>A (NM_001354272.2); and 35 more; short protein forms Q1712K, Q1634K, Q1751K, Q1759K, Q512K.
Identifiers: ClinVar variation 191405 (VCV000191405.5), dbSNP rs201219746, ClinGen allele CA236546.
Genomic context (GRCh38, chr4:113,353,752, plus strand): 5'-AAACAGCACAAACCAAGCTTGGGAATAAAGAAGCCAGTAAGAAGGAAATTAAAAGAAAAG[C>A]AGAAACAAAAAGAGGAAGGTTTACAAGCTAGTGCAGAGAAAGCTGAACTTAAAAAAGGTA-3'
Protein context (NP_001139.3, residues 1702-1722): KPVRRKLKEK[Gln1712Lys]KQKEEGLQAS